The following is an entry in ClinVar:

ClinVar aggregate classification (germline): Benign/Likely benign. Review status: criteria provided, multiple submitters, no conflicts (2 of 4 stars). 9 submissions from 9 submitters: Benign (1); Likely benign (4). 4 of the submissions do not count toward it. Last evaluated 2026-02-01.

Conditions:
Joubert syndrome 21 (JBTS21). Identifiers: MedGen C3810212, MONDO:0014288, OMIM 615636.
CSPP1-related disorder. Also called: CSPP1-related condition.

Allele frequency attached by ClinVar (database versions not stated): TOPMed 0.00147; ESP Exome Variant Server 0.00079; gnomAD 0.00131 and 0.00127; ExAC 0.00103; gnomAD exomes 0.00134 and 0.00080.
gnomAD v4.1: 1,458 of 1,613,936 alleles (0.09%); highest among the groups gnomAD compares: Middle Eastern, 1.6%; 8 homozygotes.

Submissions (9):

Labcorp Genetics (formerly Invitae), Labcorp
Classification: Benign for Joubert syndrome 21. Last evaluated: 2026-02-01. Review status: criteria provided, single submitter. Criteria: Invitae Variant Classification Sherloc (09022015). Collection method: clinical testing. Allele origin: germline.

Blueprint Genetics
Classification: Likely benign. Last evaluated: 2024-11-25. Review status: criteria provided, single submitter. Criteria: ACMG Guidelines, 2015. Collection method: clinical testing. Allele origin: germline.

CeGaT Center for Human Genetics Tuebingen
Classification: Likely benign. Last evaluated: 2023-04-01. Review status: criteria provided, single submitter. Criteria: CeGaT Center For Human Genetics Tuebingen Variant Classification Criteria Version 2. Collection method: clinical testing. Allele origin: germline. Affected: yes. Observed: 8 variant alleles.
Comment: CSPP1: BP4

GeneDx
Classification: Likely benign. Last evaluated: 2021-06-23. Review status: criteria provided, single submitter. Criteria: GeneDx Variant Classification Process June 2021. Collection method: clinical testing. Allele origin: germline. Affected: yes.
Comment: This variant is associated with the following publications: (PMID: 25616960, 26092869)

Breakthrough Genomics
Classification: Likely benign. Review status: criteria provided, single submitter. Criteria: ACMG Guidelines, 2015. Collection method: not provided. Allele origin: germline. Inheritance: Autosomal recessive inheritance. Affected: yes.

PreventionGenetics, part of Exact Sciences
Classification: Benign for CSPP1-related condition. Last evaluated: 2019-08-26. Review status: no assertion criteria provided. Collection method: clinical testing. Allele origin: germline. Not counted in ClinVar's aggregate classification.
Comment: This variant is classified as benign based on ACMG/AMP sequence variant interpretation guidelines (Richards et al. 2015 PMID: 25741868, with internal and published modifications).

Clinical Genetics DNA and cytogenetics Diagnostics Lab, Erasmus MC, Erasmus Medical Center
Classification: Likely benign. Review status: no assertion criteria provided. Collection method: clinical testing. Allele origin: germline. Affected: yes. Study: VKGL Data-share Consensus. Not counted in ClinVar's aggregate classification.

Genome Diagnostics Laboratory, University Medical Center Utrecht
Classification: Likely benign. Review status: no assertion criteria provided. Collection method: clinical testing. Allele origin: germline. Affected: yes. Study: VKGL Data-share Consensus. Not counted in ClinVar's aggregate classification.

Laboratory of Diagnostic Genome Analysis, Leiden University Medical Center (LUMC)
Classification: Likely benign. Review status: no assertion criteria provided. Collection method: clinical testing. Allele origin: germline. Affected: yes. Study: VKGL Data-share Consensus. Not counted in ClinVar's aggregate classification.

NM_001382391.1(CSPP1):c.3493C>T (p.Pro1165Ser)

Genes: ARFGEF1 (ARF guanine nucleotide exchange factor 1; minus strand), CSPP1 (centrosome and spindle pole associated protein 1; plus strand). Cytogenetic location: 8q13.2.
Variant type: single nucleotide variant.
Coding change: c.3493C>T on transcript NM_001382391.1 (MANE Select); coding-DNA position 3493, C replaced by T.
Protein change: p.Pro1165Ser; replaces proline 1165 with serine.
Molecular consequence: missense variant. On other transcripts: synonymous variant (1), intron variant (2).
Genome position (GRCh38, 1-based): chr8:67,195,405, C>T. VCF-style: chr8-67195405-C-T. GRCh37 (hg19) VCF-style: chr8-68107640-C-T.
Other names: c.2443C>T, p.Pro815Ser (NM_001291339.2); c.3412C>T, p.Pro1138Ser (NM_001363131.2); c.3298C>T, p.Pro1100Ser (NM_001363132.2); c.3217C>T, p.Pro1073Ser (NM_001363133.2); c.3559C>T, p.Pro1187Ser (NM_001364869.1); c.3379C>T, p.Pro1127Ser (NM_001364870.1); c.3325C>T, p.Pro1109Ser (NM_001438330.1); c.3339C>T, p.Thr1113= (NM_001438331.1); and 4 more; short protein forms P1160S, P1073S, P1100S, P1127S, P1138S, P1187S, P815S, P1165S.
Identifiers: ClinVar variation 383716 (VCV000383716.48), dbSNP rs200161440, ClinGen allele CA4771199.
Genomic context (GRCh38, chr8:67,195,405, plus strand): 5'-TGTGTTACCTGAGCCACGTGTCCCTTGCCTCCTGTAGATGATGAGAGTTCACTGGTTGAC[C>T]CTGATGACATCATGAAACACATAGGGGATGACGGATCAAACTCTGTAGCAACTGAGCCCT-3'
Protein context (NP_001369320.1, residues 1155-1175): NTDDESSLVD[Pro1165Ser]DDIMKHIGDD